The following is an entry in ClinVar:

NM_000388.4(CASR):c.2292G>C (p.Thr764=)

Gene: CASR (calcium sensing receptor; plus strand). Cytogenetic location: 3q21.1.
Variant type: single nucleotide variant.
Coding change: c.2292G>C on transcript NM_000388.4 (MANE Select); coding-DNA position 2292, G replaced by C.
Protein change: p.Thr764=; no amino-acid change (threonine 764 retained).
Molecular consequence: synonymous variant.
Genome position (GRCh38, 1-based): chr3:122,284,246, G>C. VCF-style: chr3-122284246-G-C. GRCh37 (hg19) VCF-style: chr3-122003093-G-C.
Other names: c.2322G>C, p.Thr774= (NM_001178065.2).
Identifiers: ClinVar variation 718234 (VCV000718234.39), dbSNP rs199615189, ClinGen allele CA435424841.
Genomic context (GRCh38, chr3:122,284,246, plus strand): 5'-CACCGCGCCCCCGTCAAGCTACCGCAACCAGGAGCTGGAGGATGAGATCATCTTCATCAC[G>C]TGCCACGAGGGCTCCCTCATGGCCCTGGGCTTCCTGATCGGCTACACCTGCCTGCTGGCT-3'
Protein context (NP_000379.3, residues 754-774): QELEDEIIFI[Thr764=]CHEGSLMALG

ClinVar aggregate classification (germline): Conflicting classifications of pathogenicity. Review status: criteria provided, conflicting classifications (1 of 4 stars). 4 submissions from 4 submitters: Uncertain significance (1); Likely benign (3). Last evaluated 2024-08-16.

Conditions:
Familial hypocalciuric hypercalcemia (FHH). Also called: Familial benign hypercalcemia. Identifiers: Orphanet 405, MedGen C1809471, MONDO:0018458.
Autosomal dominant hypocalcemia 1 (HYPOC1). Also called: HYPOCALCEMIA, FAMILIAL. Identifiers: MedGen C3715128, MONDO:0011013, OMIM 601198.
Nephrolithiasis/nephrocalcinosis. Identifiers: MedGen CN580796.

Allele frequency attached by ClinVar (database versions not stated): gnomAD exomes 0.00001.
gnomAD v4.1: 5 of 1,614,062 alleles (0.00031%); highest among the groups gnomAD compares: Middle Eastern, 0.033%; no homozygotes.

Submissions (4):

Blueprint Genetics
Classification: Uncertain significance. Last evaluated: 2024-08-16. Review status: criteria provided, single submitter. Criteria: ACMG Guidelines, 2015. Collection method: clinical testing. Allele origin: germline.

Labcorp Genetics (formerly Invitae), Labcorp
Classification: Likely benign for Familial hypocalciuric hypercalcemia; Autosomal dominant hypocalcemia 1. Last evaluated: 2023-10-04. Review status: criteria provided, single submitter. Criteria: Invitae Variant Classification Sherloc (09022015). Collection method: clinical testing. Allele origin: germline.

CeGaT Center for Human Genetics Tuebingen
Classification: Likely benign. Last evaluated: 2022-12-01. Review status: criteria provided, single submitter. Criteria: CeGaT Center For Human Genetics Tuebingen Variant Classification Criteria Version 2. Collection method: clinical testing. Allele origin: germline. Affected: yes. Observed: 1 variant allele.
Comment: CASR: PM2:Supporting, BP4, BP7

Ambry Genetics
Classification: Likely benign for Nephrolithiasis/nephrocalcinosis. Last evaluated: 2018-11-28. Review status: criteria provided, single submitter. Criteria: Ambry Variant Classification Scheme 2023. Collection method: clinical testing. Allele origin: germline.